The following is an entry in ClinVar:

ClinVar aggregate classification (germline): Pathogenic (1 of 4 stars; one submission).

Conditions:
CHARGE syndrome (CHARGE). Also called: Hittner Hirsch Kreh syndrome; CHARGE ASSOCIATION--COLOBOMA, HEART ANOMALY, CHOANAL ATRESIA, RETARDATION, GENITAL AND EAR ANOMALIES; Coloboma, heart anomaly, choanal atresia, retardation, genital and ear anomalies; CHARGE association; Hall-Hittner syndrome. Identifiers: Orphanet 138, MedGen C0265354, MONDO:0008965.

Submission:

Labcorp Genetics (formerly Invitae), Labcorp
Classification: Pathogenic for CHARGE syndrome. Last evaluated: 2023-05-02. Review status: criteria provided, single submitter. Criteria: Invitae Variant Classification Sherloc (09022015). Collection method: clinical testing. Allele origin: germline.
Comment: For these reasons, this variant has been classified as Pathogenic. This variant has not been reported in the literature in individuals affected with CHD7-related conditions. This variant is not present in population databases (gnomAD no frequency). This sequence change creates a premature translational stop signal (p.His1886Metfs*13) in the CHD7 gene. It is expected to result in an absent or disrupted protein product. Loss-of-function variants in CHD7 are known to be pathogenic (PMID: 22461308, 25077900).

Literature cited by the submitters: PubMed 22461308; PubMed 25077900.

NM_017780.4(CHD7):c.5655del (p.His1886fs)

Gene: CHD7 (chromodomain helicase DNA binding protein 7; plus strand). Cytogenetic location: 8q12.2.
Variant type: Deletion.
Coding change: c.5655del on transcript NM_017780.4 (MANE Select); coding-DNA position 5655, one base deleted (A; older notation c.5655delA).
Protein change: p.His1886fs; shifts the reading frame from histidine 1886.
Molecular consequence: frameshift variant. On other transcripts: intron variant (1).
Genome position (GRCh38, 1-based): chr8:60,851,309, A deleted. VCF-style (leftmost placement, unchanged base first): chr8-60851308-TA-T. GRCh37 (hg19) VCF-style: chr8-61763867-TA-T.
Other names: c.1717-10920del (NM_001316690.1); short protein forms H1886fs.
Identifiers: ClinVar variation 2861684 (VCV002861684.3), dbSNP rs2488024120, ClinGen allele CA2739268792.